The following is an entry in ClinVar:

ClinVar aggregate classification (germline): Benign. Review status: criteria provided, multiple submitters, no conflicts (2 of 4 stars). 2 submissions from 2 submitters: Benign (2). Last evaluated 2016-03-29.

Allele frequency attached by ClinVar (database versions not stated): TOPMed 0.02928; gnomAD 0.03068 and 0.03302; ESP Exome Variant Server 0.03452; gnomAD exomes 0.03636; ExAC 0.03835; 1000 Genomes Project 30x 0.04450; 1000 Genomes Project 0.04573.

Submissions (13):

Laboratory for Molecular Medicine, Mass General Brigham Personalized Medicine
Classification: Benign. Last evaluated: 2016-03-29. Review status: criteria provided, single submitter. Criteria: LMM Criteria. Collection method: clinical testing. Allele origin: germline.
Comment: Variant identified in a genome or exome case(s) and assessed due to predicted null impact of the variant or pathogenic assertions in the literature or databases. Disclaimer: This variant has not undergone full assessment. The following are preliminary notes: Frequency

Breakthrough Genomics
Classification: Benign. Review status: criteria provided, single submitter. Criteria: ACMG Guidelines, 2015. Collection method: not provided. Allele origin: germline. Inheritance: Unknown mechanism. Affected: yes.

Dr. Peter K. Rogan Lab, Western University
No classification provided (evidence only). Condition: Acute myeloid leukemia. Review status: no classification provided. Collection method: in vitro. Allele origin: not applicable. Functional consequence: retained intron. Not counted in ClinVar's aggregate classification.

Dr. Peter K. Rogan Lab, Western University
No classification provided (evidence only). Condition: Colon adenocarcinoma. Review status: no classification provided. Collection method: in vitro. Allele origin: not applicable. Functional consequence: retained intron. Not counted in ClinVar's aggregate classification.

Dr. Peter K. Rogan Lab, Western University
No classification provided (evidence only). Condition: Colon adenocarcinoma. Review status: no classification provided. Collection method: in vitro. Allele origin: not applicable. Functional consequence: retained intron. Not counted in ClinVar's aggregate classification.

Dr. Peter K. Rogan Lab, Western University
No classification provided (evidence only). Condition: Colon adenocarcinoma. Review status: no classification provided. Collection method: in vitro. Allele origin: not applicable. Functional consequence: retained intron. Not counted in ClinVar's aggregate classification.

Dr. Peter K. Rogan Lab, Western University
No classification provided (evidence only). Condition: Colorectal cancer. Review status: no classification provided. Collection method: in vitro. Allele origin: not applicable. Functional consequence: retained intron. Not counted in ClinVar's aggregate classification.

Dr. Peter K. Rogan Lab, Western University
No classification provided (evidence only). Condition: Sarcoma. Review status: no classification provided. Collection method: in vitro. Allele origin: not applicable. Functional consequence: retained intron. Not counted in ClinVar's aggregate classification.

Dr. Peter K. Rogan Lab, Western University
No classification provided (evidence only). Condition: Sarcoma. Review status: no classification provided. Collection method: in vitro. Allele origin: not applicable. Functional consequence: retained intron. Not counted in ClinVar's aggregate classification.

Dr. Peter K. Rogan Lab, Western University
No classification provided (evidence only). Condition: Sarcoma. Review status: no classification provided. Collection method: in vitro. Allele origin: not applicable. Functional consequence: retained intron. Not counted in ClinVar's aggregate classification.

Dr. Peter K. Rogan Lab, Western University
No classification provided (evidence only). Condition: Sarcoma. Review status: no classification provided. Collection method: in vitro. Allele origin: not applicable. Functional consequence: retained intron. Not counted in ClinVar's aggregate classification.

Dr. Peter K. Rogan Lab, Western University
No classification provided (evidence only). Condition: Adrenocortical carcinoma, hereditary. Review status: no classification provided. Collection method: in vitro. Allele origin: not applicable. Functional consequence: retained intron. Not counted in ClinVar's aggregate classification.

Dr. Peter K. Rogan Lab, Western University
No classification provided (evidence only). Condition: Uveal melanoma. Review status: no classification provided. Collection method: in vitro. Allele origin: not applicable. Functional consequence: retained intron. Not counted in ClinVar's aggregate classification.

NM_014717.3(ZNF536):c.3143C>T (p.Ala1048Val)

Gene: ZNF536 (zinc finger protein 536; plus strand). Cytogenetic location: 19q12.
Variant type: single nucleotide variant.
Coding change: c.3143C>T on transcript NM_014717.3 (MANE Select); coding-DNA position 3143, C replaced by T.
Protein change: p.Ala1048Val; replaces alanine 1048 with valine.
Molecular consequence: missense variant.
Genome position (GRCh38, 1-based): chr19:30,548,762, C>T. VCF-style: chr19-30548762-C-T. GRCh37 (hg19) VCF-style: chr19-31039669-C-T.
Other names: c.3143C>T, p.Ala1048Val (NM_001352260.2); short protein forms A1048V.
Identifiers: ClinVar variation 403626 (VCV000403626.6), dbSNP rs77238711, ClinGen allele CA9353710.